The following is an entry in ClinVar:

ClinVar aggregate classification (germline): Uncertain significance (1 of 4 stars; one submission).

Submission:

Labcorp Genetics (formerly Invitae), Labcorp
Classification: Uncertain significance. Last evaluated: 2023-07-20. Review status: criteria provided, single submitter. Criteria: Invitae Variant Classification Sherloc (09022015). Collection method: clinical testing. Allele origin: germline.
Comment: In summary, the available evidence is currently insufficient to determine the role of this variant in disease. Therefore, it has been classified as a Variant of Uncertain Significance. Algorithms developed to predict the effect of sequence changes on RNA splicing suggest that this variant may disrupt the consensus splice site. This variant has not been reported in the literature in individuals affected with STAT4-related conditions. This variant is not present in population databases (gnomAD no frequency). This sequence change falls in intron 17 of the STAT4 gene. It does not directly change the encoded amino acid sequence of the STAT4 protein.

NM_003151.4(STAT4):c.1571-11T>C

Gene: STAT4 (signal transducer and activator of transcription 4; minus strand). Cytogenetic location: 2q32.2.
Variant type: single nucleotide variant.
Coding change: c.1571-11T>C on transcript NM_003151.4 (MANE Select); 11 bases into the intron before coding-DNA position 1571, T replaced by C.
Molecular consequence: intron variant.
Genome position (GRCh38, 1-based): chr2:191,034,608, A>G on the plus strand (T>C on the coding strand, the complement: STAT4 is on the minus strand). VCF-style: chr2-191034608-A-G. GRCh37 (hg19) VCF-style: chr2-191899334-A-G.
Other names: c.1571-11T>C (NM_001243835.2).
Identifiers: ClinVar variation 2817328 (VCV002817328.3), dbSNP rs2470654566, ClinGen allele CA2739277999.
Genomic context (GRCh38, chr2:191,034,608, plus strand): 5'-CTTGCAGAACTTGGCCCAGGTGAGGTGACCATCACTGTAGCTAGATTGGACTGAAATGAA[A>G]GAAAAGAATGAAATTTTTCACTGGACAATGAGATGCTTCAATTTTGTGCTCAATTTAGAT-3'